The following is an entry in ClinVar:

ClinVar aggregate classification (germline): Likely benign (1 of 4 stars; one submission).

Conditions:
Multiple congenital exostosis (EXT). Also called: Hereditary multiple exostoses; Hereditary multiple exostosis; Multiple osteochondromas; Multiple exostoses; MULTIPLE CARTILAGINOUS EXOSTOSES; Hereditary multiple osteochondromas. Identifiers: Orphanet 321, MedGen C0015306, MONDO:0005508, HP:0002762.

Allele frequency attached by ClinVar (database versions not stated): 1000 Genomes Project 0.00020; 1000 Genomes Project 30x 0.00031; gnomAD 0.00032 and 0.00034; TOPMed 0.00034; gnomAD exomes 0.00040.
gnomAD v4.1: 95 of 256,210 alleles (0.037%); highest among the groups gnomAD compares: Non-Finnish European, 0.055%; no homozygotes.

Submission:

Illumina Laboratory Services, Illumina
Classification: Likely benign for Exostoses, multiple, type 1. Last evaluated: 2017-04-27. Review status: criteria provided, single submitter. Criteria: ICSL Variant Classification Criteria 13 December 2019. Collection method: clinical testing. Allele origin: germline.
Comment: This variant was observed as part of a predisposition screen in an ostensibly healthy population. A literature search was performed for the gene, cDNA change, and amino acid change (where applicable). No publications were found based on this search. Allele frequency data from public databases allowed determination this variant is unlikely to cause disease. Therefore, this variant is classified as likely benign.

NM_000127.3(EXT1):c.-642G>A

Genes: EXT1 (exostosin glycosyltransferase 1; minus strand), LOC130001002 (ATAC-STARR-seq lymphoblastoid silent region 19478; plus strand). Cytogenetic location: 8q24.11.
Variant type: single nucleotide variant.
Coding change: c.-642G>A on transcript NM_000127.3 (MANE Select); 642 bases upstream of the start codon, G replaced by A.
Molecular consequence: 5 prime UTR variant.
Genome position (GRCh38, 1-based): chr8:118,111,688, C>T on the plus strand (G>A on the coding strand, the complement: EXT1 is on the minus strand). VCF-style: chr8-118111688-C-T. GRCh37 (hg19) VCF-style: chr8-119123927-C-T.
Identifiers: ClinVar variation 361675 (VCV000361675.6), dbSNP rs534171475, ClinGen allele CA10624659.